The following is an entry in ClinVar:

ClinVar aggregate classification (germline): Uncertain significance (1 of 4 stars; one submission).

Conditions:
KBG syndrome (KBGS). Also called: ANKRD11-Related KBG Syndrome. Identifiers: Orphanet 2332, MedGen C0220687, MONDO:0007846, OMIM 148050.

Submission:

Umrani?ye Training and Research Hospital
Classification: Uncertain significance for KBG syndrome. Last evaluated: 2026-06-29. Review status: criteria provided, single submitter. Criteria: ACMG Guidelines, 2015. Collection method: clinical testing. Allele origin: germline. Inheritance: Autosomal dominant inheritance. Affected: yes.
Comment: PM4, PM2

Literature cited by the submitters: PubMed 42808190.

NM_013275.6(ANKRD11):c.6936_6950dup (p.Pro2317_Lys2318insGluAlaAlaGluPro)

Gene: ANKRD11 (ankyrin repeat domain 11; minus strand). Cytogenetic location: 16q24.3.
Variant type: Duplication.
Coding change: c.6936_6950dup on transcript NM_013275.6 (MANE Select); coding-DNA positions 6936 to 6950, 15 bases duplicated (GGAAGCCGCAGAACC).
Protein change: p.Pro2317_Lys2318insGluAlaAlaGluPro.
Molecular consequence: inframe insertion.
Genome position (GRCh38, 1-based): chr16:89,279,592-89,279,606, GGTTCTGCGGCTTCC duplicated on the plus strand (GGAAGCCGCAGAACC on the coding strand, the reverse complement: ANKRD11 is on the minus strand); duplicating any 15 consecutive bases within chr16:89,279,592-89,279,608 gives the same sequence; the c. name uses the placement nearest the transcript's 3' end. VCF-style (leftmost placement, unchanged base first): chr16-89279591-T-TGGTTCTGCGGCTTCC. GRCh37 (hg19) VCF-style: chr16-89345999-T-TGGTTCTGCGGCTTCC.
Other names: NP_037407.4:p.(Glu2313_Pro2317dup); c.6936_6950dup, p.Pro2317_Lys2318insGluAlaAlaGluPro (NM_001256182.2, NM_001256183.2).
Identifiers: ClinVar variation 4876224 (VCV004876224.1).